The following is an entry in ClinVar:

ClinVar aggregate classification (germline): Uncertain significance (1 of 4 stars; one submission).

Conditions:
GREB1L-related disorder. Also called: GREB1L-related condition.

Allele frequency attached by ClinVar (database versions not stated): TOPMed below 0.00001.

Submission:

PreventionGenetics, part of Exact Sciences
Classification: Uncertain significance for GREB1L-related condition. Last evaluated: 2023-07-24. Review status: criteria provided, single submitter. Criteria: ACMG Guidelines, 2015. Collection method: clinical testing. Allele origin: germline.
Comment: The GREB1L c.4188G>T variant is predicted to result in the amino acid substitution p.Met1396Ile. To our knowledge, this variant has not been reported in the literature or in a large population database, indicating this variant is rare. At this time, the clinical significance of this variant is uncertain due to the absence of conclusive functional and genetic evidence.

NM_001142966.3(GREB1L):c.4188G>T (p.Met1396Ile)

Gene: GREB1L (GREB1 like retinoic acid receptor coactivator; plus strand). Cytogenetic location: 18q11.2.
Variant type: single nucleotide variant.
Coding change: c.4188G>T on transcript NM_001142966.3 (MANE Select); coding-DNA position 4188, G replaced by T.
Protein change: p.Met1396Ile; replaces methionine 1396 with isoleucine.
Molecular consequence: missense variant.
Genome position (GRCh38, 1-based): chr18:21,505,527, G>T. VCF-style: chr18-21505527-G-T. GRCh37 (hg19) VCF-style: chr18-19085488-G-T.
Other names: c.4317G>T, p.Met1439Ile (NM_001410867.1); c.3861G>T, p.Met1287Ile (NM_001410868.1); short protein forms M1287I, M1396I, M1439I.
Identifiers: ClinVar variation 2636152 (VCV002636152.1), dbSNP rs2036976707, ClinGen allele CA401755696.
Genomic context (GRCh38, chr18:21,505,527, plus strand): 5'-CGAGAGCTTCAGTAAAATGCCTTTTGATGTCAGTGTGCATGACCCCAAGTACAGTTTGAT[G>T]AGCCTGGTGTATACTGAGAAGCTGGCAGGGGTCAAACAAGGTCAGTGCAATCAGCCAAGT-3'
Protein context (NP_001136438.1, residues 1386-1406): VSVHDPKYSL[Met1396Ile]SLVYTEKLAG